The following is an entry in ClinVar:

ClinVar aggregate classification (germline): Uncertain significance (1 of 4 stars; one submission).

Conditions:
Muscle AMP deaminase deficiency (MMDD). Also called: AMPD1 DEFICIENCY; Myoadenylate deaminase deficiency, myopathy due to; Adenosine monophosphate deaminase 1 deficiency; AMP deaminase 1 deficiency; Adenosine Monophosphate Deaminase 1; ADENOSINE MONOPHOSPHATE DEAMINASE-1 DEFICIENCY, MYOPATHY DUE TO. Identifiers: Orphanet 45, MedGen C3714933, MONDO:0014220, OMIM 615511.

gnomAD v4.1: 14 of 1,613,444 alleles (0.00087%); highest among the groups gnomAD compares: Middle Eastern, 0.016%; no homozygotes.

Submission:

Labcorp Genetics (formerly Invitae), Labcorp
Classification: Uncertain significance for Muscle AMP deaminase deficiency. Last evaluated: 2023-11-25. Review status: criteria provided, single submitter. Criteria: Invitae Variant Classification Sherloc (09022015). Collection method: clinical testing. Allele origin: germline.
Comment: This sequence change replaces alanine, which is neutral and non-polar, with valine, which is neutral and non-polar, at codon 445 of the AMPD1 protein (p.Ala445Val). This variant is present in population databases (rs770870863, gnomAD 0.003%). This missense change has been observed in individual(s) with AMPD1-related conditions (PMID: 34490048). ClinVar contains an entry for this variant (Variation ID: 1981141). An algorithm developed to predict the effect of missense changes on protein structure and function (PolyPhen-2) suggests that this variant¬†is likely to be tolerated. In summary, the available evidence is currently insufficient to determine the role of this variant in disease. Therefore, it has been classified as a Variant of Uncertain Significance.

Literature cited by the submitters: PubMed 34490048.

NM_000036.3(AMPD1):c.1235C>T (p.Ala412Val)

Gene: AMPD1 (adenosine monophosphate deaminase 1; minus strand). Cytogenetic location: 1p13.2.
Variant type: single nucleotide variant.
Coding change: c.1235C>T on transcript NM_000036.3 (MANE Select); coding-DNA position 1235, C replaced by T.
Protein change: p.Ala412Val; replaces alanine 412 with valine.
Molecular consequence: missense variant.
Genome position (GRCh38, 1-based): chr1:114,677,504, G>A on the plus strand (C>T on the coding strand, the complement: AMPD1 is on the minus strand). VCF-style: chr1-114677504-G-A. GRCh37 (hg19) VCF-style: chr1-115220125-G-A.
Other names: c.1223C>T, p.Ala408Val (NM_001172626.2); short protein forms A412V, A408V.
Identifiers: ClinVar variation 1981141 (VCV001981141.2), dbSNP rs770870863, ClinGen allele CA1020171.